The following is an entry in ClinVar:

ClinVar aggregate classification (germline): not provided (0 of 4 stars; one submission).

Conditions:
Familial cold autoinflammatory syndrome 1 (FCAS1). Also called: CRYOPYRIN-ASSOCIATED PERIODIC SYNDROME 1; Familial cold inflammatory syndrome 1. Identifiers: Orphanet 47045, MedGen C4551895, MONDO:0007349, OMIM 120100.

Submission:

Unité médicale des maladies autoinflammatoires, CHRU Montpellier
No classification provided. Condition: Familial cold urticaria. Review status: no classification provided. Collection method: not provided. Allele origin: unknown.
Comment: also involved in OMIM 191900 and 607115

NM_001243133.2(NLRP3):c.791T>G (p.Leu264Arg)

Gene: NLRP3 (NLR family pyrin domain containing 3; plus strand). Cytogenetic location: 1q44.
Variant type: single nucleotide variant.
Coding change: c.791T>G on transcript NM_001243133.2 (MANE Select); coding-DNA position 791, T replaced by G.
Protein change: p.Leu264Arg; replaces leucine 264 with arginine.
Molecular consequence: missense variant.
Genome position (GRCh38, 1-based): chr1:247,424,240, T>G. VCF-style: chr1-247424240-T-G. GRCh37 (hg19) VCF-style: chr1-247587542-T-G.
Other names: c.791T>G, p.Leu264Arg (NM_001079821.3, NM_001127461.3, NM_001127462.3 and 1 more transcripts); c.797T>G, p.Leu266Arg (NM_004895.5); short protein forms L266R, L264R.
Identifiers: ClinVar variation 97976 (VCV000097976.1), dbSNP rs180177436, ClinGen allele CA281379.